The following is an entry in ClinVar:

ClinVar aggregate classification (germline): Uncertain significance (1 of 4 stars; one submission).

Conditions:
Inborn genetic diseases. Identifiers: MedGen C0950123, MeSH D030342.

Submission:

Ambry Genetics
Classification: Uncertain significance for Inborn genetic diseases. Last evaluated: 2025-04-13. Review status: criteria provided, single submitter. Criteria: Ambry Variant Classification Scheme 2023. Collection method: clinical testing. Allele origin: germline.
Comment: The p.Q96L variant (also known as c.287A>T), located in coding exon 2 of the MBD4 gene, results from an A to T substitution at nucleotide position 287. The glutamine at codon 96 is replaced by leucine, an amino acid with dissimilar properties. This amino acid position is conserved. In addition, this alteration is predicted to be deleterious by in silico analysis. Based on the available evidence, the clinical significance of this variant remains unclear.

NM_001276270.2(MBD4):c.287A>T (p.Gln96Leu)

Gene: MBD4 (methyl-CpG binding domain 4, DNA glycosylase; minus strand). Cytogenetic location: 3q21.3.
Variant type: single nucleotide variant.
Coding change: c.287A>T on transcript NM_001276270.2 (MANE Select); coding-DNA position 287, A replaced by T.
Protein change: p.Gln96Leu; replaces glutamine 96 with leucine.
Molecular consequence: missense variant. On other transcripts: intron variant (1).
Genome position (GRCh38, 1-based): chr3:129,437,768, T>A on the plus strand (A>T on the coding strand, the complement: MBD4 is on the minus strand). VCF-style: chr3-129437768-T-A. GRCh37 (hg19) VCF-style: chr3-129156611-T-A.
Other names: c.287A>T, p.Gln96Leu (NM_001276271.2, NM_001276272.2, NM_003925.3); c.247+40A>T (NM_001276273.2); short protein forms Q96L.
Identifiers: ClinVar variation 4052204 (VCV004052204.1).